The following is an entry in ClinVar:

NM_004168.4(SDHA):c.1950C>T (p.Asn650=)

Gene: SDHA (succinate dehydrogenase complex flavoprotein subunit A; plus strand). Cytogenetic location: 5p15.33.
Variant type: single nucleotide variant.
Coding change: c.1950C>T on transcript NM_004168.4 (MANE Select); coding-DNA position 1950, C replaced by T.
Protein change: p.Asn650=; no amino-acid change (asparagine 650 retained).
Molecular consequence: synonymous variant.
Genome position (GRCh38, 1-based): chr5:256,375, C>T. VCF-style: chr5-256375-C-T. GRCh37 (hg19) VCF-style: chr5-256490-C-T.
Other names: c.1806C>T, p.Asn602= (NM_001294332.2); c.1707C>T, p.Asn569= (NM_001330758.2).
Identifiers: ClinVar variation 417237 (VCV000417237.36), dbSNP rs1042430, ClinGen allele CA3173469.

ClinVar aggregate classification (germline): Benign/Likely benign. Review status: criteria provided, multiple submitters, no conflicts (2 of 4 stars). 5 submissions from 5 submitters: Benign (1); Likely benign (4). Last evaluated 2025-12-03.

Conditions:
Hereditary cancer-predisposing syndrome. Also called: Tumor predisposition; Hereditary neoplastic syndrome; Hereditary Cancer Syndrome; Neoplastic Syndromes, Hereditary. Identifiers: Orphanet 140162, MedGen C0027672, MeSH D009386, MONDO:0015356.
Mitochondrial complex II deficiency, nuclear type 1. Also called: SUCCINATE CoQ REDUCTASE DEFICIENCY. Identifiers: Orphanet 3208, MedGen C5700310, MONDO:0100294, OMIM 252011.
Pheochromocytoma/paraganglioma syndrome 5. Also called: Paragangliomas 5; SDHA-Related Hereditary Paraganglioma-Pheochromocytoma Syndrome. Identifiers: Orphanet 29072, MedGen C3279992, MONDO:0013602, OMIM 614165.

Allele frequency attached by ClinVar (database versions not stated): ExAC 0.00002; gnomAD exomes 0.00002; TOPMed 0.00002; ESP Exome Variant Server 0.00008.

Submissions (5):

Labcorp Genetics (formerly Invitae), Labcorp
Classification: Likely benign for Pheochromocytoma/paraganglioma syndrome 5; Mitochondrial complex II deficiency, nuclear type 1. Last evaluated: 2025-12-03. Review status: criteria provided, single submitter. Criteria: Invitae Variant Classification Sherloc (09022015). Collection method: clinical testing. Allele origin: germline.

CeGaT Center for Human Genetics Tuebingen
Classification: Likely benign. Last evaluated: 2025-08-01. Review status: criteria provided, single submitter. Criteria: CeGaT Center For Human Genetics Tuebingen Variant Classification Criteria Version 2. Collection method: clinical testing. Allele origin: germline. Affected: yes. Observed: 2 variant alleles.
Comment: SDHA: BP4, BP7

Myriad Genetics, Inc.
Classification: Benign for Pheochromocytoma/paraganglioma syndrome 5. Last evaluated: 2025-03-11. Review status: criteria provided, single submitter. Criteria: Myriad Autosomal Dominant, Autosomal Recessive and X-Linked Classification Criteria (2023). Collection method: clinical testing. Allele origin: unknown.
Comment: This variant is considered benign. This variant is a silent/synonymous amino acid change and it is not expected to impact splicing.

Blueprint Genetics
Classification: Likely benign. Last evaluated: 2024-07-10. Review status: criteria provided, single submitter. Criteria: ACMG Guidelines, 2015. Collection method: clinical testing. Allele origin: germline.

Ambry Genetics
Classification: Likely benign for Hereditary cancer-predisposing syndrome. Last evaluated: 2017-01-18. Review status: criteria provided, single submitter. Criteria: Ambry Variant Classification Scheme 2023. Collection method: clinical testing. Allele origin: germline.